The following is an entry in ClinVar:

NM_033400.3(ZFHX2):c.4284C>T (p.Pro1428=)

Genes: THTPA (thiamine triphosphatase; plus strand), ZFHX2 (zinc finger homeobox 2; minus strand). Cytogenetic location: 14q11.2.
Variant type: single nucleotide variant.
Coding change: c.4284C>T on transcript NM_033400.3 (MANE Select); coding-DNA position 4284, C replaced by T.
Protein change: p.Pro1428=; no amino-acid change (proline 1428 retained).
Molecular consequence: synonymous variant.
Genome position (GRCh38, 1-based): chr14:23,525,658, G>A on the plus strand (C>T on the coding strand, the complement: ZFHX2 is on the minus strand). VCF-style: chr14-23525658-G-A. GRCh37 (hg19) VCF-style: chr14-23994867-G-A.
Identifiers: ClinVar variation 3025556 (VCV003025556.22), dbSNP rs570214491, ClinGen allele CA7116943.

ClinVar aggregate classification (germline): Likely benign (1 of 4 stars; one submission).

Allele frequency attached by ClinVar (database versions not stated): 1000 Genomes Project 0.00020; gnomAD 0.00030; 1000 Genomes Project 30x 0.00031; TOPMed 0.00033.
gnomAD v4.1: 160 of 1,535,360 alleles (0.01%); highest among the groups gnomAD compares: African/African-American, 0.093%; no homozygotes.

Submission:

CeGaT Center for Human Genetics Tuebingen
Classification: Likely benign. Last evaluated: 2024-03-01. Review status: criteria provided, single submitter. Criteria: CeGaT Center For Human Genetics Tuebingen Variant Classification Criteria Version 2. Collection method: clinical testing. Allele origin: germline. Affected: yes. Observed: 1 variant allele.
Comment: ZFHX2: BP4, BP7